The following is an entry in ClinVar:

ClinVar aggregate classification (germline): Likely pathogenic (1 of 4 stars; one submission).

Submission:

Labcorp Genetics (formerly Invitae), Labcorp
Classification: Likely pathogenic. Last evaluated: 2023-10-13. Review status: criteria provided, single submitter. Criteria: Invitae Variant Classification Sherloc (09022015). Collection method: clinical testing. Allele origin: germline.
Comment: This sequence change affects an acceptor splice site in intron 8 of the SKIV2L gene. It is expected to disrupt RNA splicing. Variants that disrupt the donor or acceptor splice site typically lead to a loss of protein function (PMID: 16199547), and loss-of-function variants in SKIV2L are known to be pathogenic (PMID: 22444670). This variant is not present in population databases (gnomAD no frequency). This variant has not been reported in the literature in individuals affected with SKIV2L-related conditions. Algorithms developed to predict the effect of sequence changes on RNA splicing suggest that this variant may disrupt the consensus splice site. In summary, the currently available evidence indicates that the variant is pathogenic, but additional data are needed to prove that conclusively. Therefore, this variant has been classified as Likely Pathogenic.

Literature cited by the submitters: PubMed 16199547; PubMed 22444670.

NM_006929.5(SKIC2):c.790-1G>A

Gene: SKIC2 (SKI2 subunit of superkiller complex; plus strand). Cytogenetic location: 6p21.33.
Variant type: single nucleotide variant.
Coding change: c.790-1G>A on transcript NM_006929.5 (MANE Select); the canonical splice acceptor site of the intron before coding-DNA position 790, G replaced by A.
Molecular consequence: splice acceptor variant.
Genome position (GRCh38, 1-based): chr6:31,961,546, G>A. VCF-style: chr6-31961546-G-A. GRCh37 (hg19) VCF-style: chr6-31929323-G-A.
Identifiers: ClinVar variation 2816884 (VCV002816884.3), dbSNP rs2482907806, ClinGen allele CA363445436.
Genomic context (GRCh38, chr6:31,961,546, plus strand): 5'-GGAGTGCTAATTGAGAGCCCTCTGGTTGTATCTTTATCACTGCTACCCCTGACTCTTCCA[G>A]GAAGCGTCCACAGCTGTATCCACCCCAGAGGCCCCAGAGCCTCCATCTCAGGAGCAGTGG-3'